The following is an entry in ClinVar:

NM_032348.4(MXRA8):c.603T>C (p.Ala201=)

Gene: MXRA8 (matrix remodeling associated 8; minus strand). Cytogenetic location: 1p36.33.
Variant type: single nucleotide variant.
Coding change: c.603T>C on transcript NM_032348.4 (MANE Select); coding-DNA position 603, T replaced by C.
Protein change: p.Ala201=; no amino-acid change (alanine 201 retained).
Molecular consequence: synonymous variant.
Genome position (GRCh38, 1-based): chr1:1,355,028, A>G on the plus strand (T>C on the coding strand, the complement: MXRA8 is on the minus strand). VCF-style: chr1-1355028-A-G. GRCh37 (hg19) VCF-style: chr1-1290408-A-G.
Other names: c.603T>C, p.Ala201= (NM_001282582.2, NM_001282585.1); c.576T>C, p.Ala192= (NM_001282583.2); c.300T>C, p.Ala100= (NM_001282584.2).
Identifiers: ClinVar variation 3055424 (VCV003055424.2), dbSNP rs147996767, ClinGen allele CA521245.

ClinVar aggregate classification (germline): Benign (0 of 4 stars; one submission).

Conditions:
MXRA8-related disorder. Also called: MXRA8-related condition.

Allele frequency attached by ClinVar (database versions not stated): ExAC 0.02086; ESP Exome Variant Server 0.06154; 1000 Genomes Project 0.07208; 1000 Genomes Project 30x 0.07683; TOPMed 0.08080.
gnomAD v4.1: 21,367 of 1,607,638 alleles (1.3%); highest among the groups gnomAD compares: African/African-American, 25%; 2,513 homozygotes.

Submission:

PreventionGenetics, part of Exact Sciences
Classification: Benign for MXRA8-related condition. Last evaluated: 2019-06-18. Review status: no assertion criteria provided. Collection method: clinical testing. Allele origin: germline.
Comment: This variant is classified as benign based on ACMG/AMP sequence variant interpretation guidelines (Richards et al. 2015 PMID: 25741868, with internal and published modifications).